The following is an entry in ClinVar:

NM_015378.4(VPS13D):c.12026T>A (p.Leu4009His)

Gene: VPS13D (vacuolar protein sorting 13 homolog D; plus strand). Cytogenetic location: 1p36.22.
Variant type: single nucleotide variant.
Coding change: c.12026T>A on transcript NM_015378.4 (MANE Select); coding-DNA position 12026, T replaced by A.
Protein change: p.Leu4009His; replaces leucine 4009 with histidine.
Molecular consequence: missense variant.
Genome position (GRCh38, 1-based): chr1:12,403,969, T>A. VCF-style: chr1-12403969-T-A. GRCh37 (hg19) VCF-style: chr1-12464022-T-A.
Other names: c.11951T>A, p.Leu3984His (NM_018156.4); short protein forms L4009H, L3984H.
Identifiers: ClinVar variation 2119880 (VCV002119880.3), dbSNP rs1644614259, ClinGen allele CA338486225.

ClinVar aggregate classification (germline): Uncertain significance (1 of 4 stars; one submission).

gnomAD v4.1: 1 of 1,587,504 alleles (0.000063%); no homozygotes.

Submission:

Labcorp Genetics (formerly Invitae), Labcorp
Classification: Uncertain significance. Last evaluated: 2022-03-31. Review status: criteria provided, single submitter. Criteria: Invitae Variant Classification Sherloc (09022015). Collection method: clinical testing. Allele origin: germline.
Comment: In summary, the available evidence is currently insufficient to determine the role of this variant in disease. Therefore, it has been classified as a Variant of Uncertain Significance. Algorithms developed to predict the effect of missense changes on protein structure and function are either unavailable or do not agree on the potential impact of this missense change (SIFT: "Not Available"; PolyPhen-2: "Probably Damaging"; Align-GVGD: "Not Available"). This variant has not been reported in the literature in individuals affected with VPS13D-related conditions. This variant is not present in population databases (gnomAD no frequency). This sequence change replaces leucine, which is neutral and non-polar, with histidine, which is basic and polar, at codon 4009 of the VPS13D protein (p.Leu4009His).